The following is an entry in ClinVar:

ClinVar aggregate classification (germline): Likely pathogenic (1 of 4 stars; one submission).

Conditions:
Zellweger spectrum disorders (ZS). Also called: Zellweger Spectrum Disorder (ZSD); Zellweger syndrome; Zellweger Spectrum Disorder; Zellweger Spectrum. Identifiers: Orphanet 912, MedGen C0043459, MONDO:0019609.

Submission:

Natera, Inc.
Classification: Likely pathogenic for Zellweger syndrome. Last evaluated: 2024-09-04. Review status: criteria provided, single submitter. Criteria: Natera Variant Classification Schema (03/2026). Collection method: clinical testing. Allele origin: germline.
Comment: The c.1234-1G>A variant in PEX6 is a canonical splice acceptor site variant predicted to affect pre-mRNA splicing, which may result in an abnormal transcript and altered protein product. This variant is expected to result in nonsense mediated decay, truncation, or a dysfunctional protein product. This variant is rare in the general population with a frequency below the threshold expected for the associated phenotype(s). Given the available evidence, this variant is classified as Likely Pathogenic.

NM_000287.4(PEX6):c.1234-1G>A

Gene: PEX6 (peroxisomal biogenesis factor 6; minus strand). Cytogenetic location: 6p21.1.
Variant type: single nucleotide variant.
Coding change: c.1234-1G>A on transcript NM_000287.4 (MANE Select); the canonical splice acceptor site of the intron before coding-DNA position 1234, G replaced by A.
Molecular consequence: splice acceptor variant.
Genome position (GRCh38, 1-based): chr6:42,969,802, C>T on the plus strand (G>A on the coding strand, the complement: PEX6 is on the minus strand). VCF-style: chr6-42969802-C-T. GRCh37 (hg19) VCF-style: chr6-42937540-C-T.
Other names: c.970-1G>A (NM_001316313.2).
Identifiers: ClinVar variation 4818108 (VCV004818108.1).